The following is an entry in ClinVar:

ClinVar aggregate classification (germline): Uncertain significance (1 of 4 stars; one submission).

Conditions:
Hereditary cancer-predisposing syndrome. Also called: Hereditary neoplastic syndrome; Tumor predisposition; Hereditary Cancer Syndrome; Neoplastic Syndromes, Hereditary. Identifiers: Orphanet 140162, MedGen C0027672, MeSH D009386, MONDO:0015356.

Submission:

Ambry Genetics
Classification: Uncertain significance for Hereditary cancer-predisposing syndrome. Last evaluated: 2023-07-23. Review status: criteria provided, single submitter. Criteria: Ambry Variant Classification Scheme 2023. Collection method: clinical testing. Allele origin: germline.
Comment: The p.A1602S variant (also known as c.4804G>T), located in coding exon 22 of the DICER1 gene, results from a G to T substitution at nucleotide position 4804. The alanine at codon 1602 is replaced by serine, an amino acid with similar properties. This amino acid position is conserved. In addition, this alteration is predicted to be tolerated by in silico analysis. Since supporting evidence is limited at this time, the clinical significance of this alteration remains unclear.

NM_177438.3(DICER1):c.4804G>T (p.Ala1602Ser)

Gene: DICER1 (dicer 1, ribonuclease III; minus strand). Cytogenetic location: 14q32.13.
Variant type: single nucleotide variant.
Coding change: c.4804G>T on transcript NM_177438.3 (MANE Select); coding-DNA position 4804, G replaced by T.
Protein change: p.Ala1602Ser; replaces alanine 1602 with serine.
Molecular consequence: missense variant. On other transcripts: non-coding transcript variant (6).
Genome position (GRCh38, 1-based): chr14:95,096,116, C>A on the plus strand (G>T on the coding strand, the complement: DICER1 is on the minus strand). VCF-style: chr14-95096116-C-A. GRCh37 (hg19) VCF-style: chr14-95562453-C-A.
Other names: c.4804G>T, p.Ala1602Ser (NM_001195573.1, NM_001271282.3, NM_001291628.2 and 13 more transcripts); c.4522G>T, p.Ala1508Ser (NM_001395686.1); c.4399G>T, p.Ala1467Ser (NM_001395687.1, NM_001395688.1, NM_001395689.1 and 2 more transcripts); c.4237G>T, p.Ala1413Ser (NM_001395691.1); c.3121G>T, p.Ala1041Ser (NM_001395697.1); short protein forms A1413S, A1508S, A1041S, A1467S, A1602S.
Identifiers: ClinVar variation 2586410 (VCV002586410.2), dbSNP rs145669719, ClinGen allele CA390867084.
Genomic context (GRCh38, chr14:95,096,116, plus strand): 5'-CACAGCTCACTGAAAGGTTCTTTTGTTGGCTGTTGAAATTCTCCCGAGTAGGGCACAGGG[C>A]CTTTTCCCGATCAGTCCTTTTAATTACCGGGAGCACCTTCAGCCCCAGTGAACAGAGGAA-3'
Protein context (NP_803187.1, residues 1592-1612): PVIKRTDREK[Ala1602Ser]LCPTRENFNS